The following is an entry in ClinVar:

NM_018714.3(COG1):c.1782G>C (p.Glu594Asp)

Gene: COG1 (component of oligomeric golgi complex 1; plus strand). Cytogenetic location: 17q25.1.
Variant type: single nucleotide variant.
Coding change: c.1782G>C on transcript NM_018714.3 (MANE Select); coding-DNA position 1782, G replaced by C.
Protein change: p.Glu594Asp; replaces glutamic acid 594 with aspartic acid.
Molecular consequence: missense variant.
Genome position (GRCh38, 1-based): chr17:73,201,609, G>C. VCF-style: chr17-73201609-G-C. GRCh37 (hg19) VCF-style: chr17-71197748-G-C.
Other names: short protein forms E594D.
Identifiers: ClinVar variation 892411 (VCV000892411.7), dbSNP rs1037256, ClinGen allele CA8740292.

ClinVar aggregate classification (germline): Uncertain significance. Review status: criteria provided, multiple submitters, no conflicts (2 of 4 stars). 2 submissions from 2 submitters: Uncertain significance (2). Last evaluated 2024-12-12.

Conditions:
COG1 congenital disorder of glycosylation (CDG2G). Also called: CONGENITAL DISORDER OF GLYCOSYLATION, TYPE IIg; CDG IIg; CDGII/COG1 CEREBROCOSTOMANDIBULAR-LIKE SYNDROME. Identifiers: Orphanet 263508, MedGen C2931011, MONDO:0012637, OMIM 611209.

Allele frequency attached by ClinVar (database versions not stated): 1000 Genomes Project 30x 0.00016.
gnomAD v4.1: 93 of 1,613,966 alleles (0.0058%); highest among the groups gnomAD compares: African/African-American, 0.11%; no homozygotes.

Submissions (2):

Labcorp Genetics (formerly Invitae), Labcorp
Classification: Uncertain significance for COG1 congenital disorder of glycosylation. Last evaluated: 2024-12-12. Review status: criteria provided, single submitter. Criteria: Invitae Variant Classification Sherloc (09022015). Collection method: clinical testing. Allele origin: germline.
Comment: This sequence change replaces glutamic acid, which is acidic and polar, with aspartic acid, which is acidic and polar, at codon 594 of the COG1 protein (p.Glu594Asp). This variant is present in population databases (rs1037256, gnomAD 0.1%). This variant has not been reported in the literature in individuals affected with COG1-related conditions. ClinVar contains an entry for this variant (Variation ID: 892411). Invitae Evidence Modeling of protein sequence and biophysical properties (such as structural, functional, and spatial information, amino acid conservation, physicochemical variation, residue mobility, and thermodynamic stability) indicates that this missense variant is not expected to disrupt COG1 protein function with a negative predictive value of 80%. In summary, the available evidence is currently insufficient to determine the role of this variant in disease. Therefore, it has been classified as a Variant of Uncertain Significance.

Illumina Laboratory Services, Illumina
Classification: Uncertain significance for COG1 congenital disorder of glycosylation. Last evaluated: 2018-01-13. Review status: criteria provided, single submitter. Criteria: ICSL Variant Classification Criteria 13 December 2019. Collection method: clinical testing. Allele origin: germline.